The following is an entry in ClinVar:

NM_007294.4(BRCA1):c.134+6T>A

Gene: BRCA1 (BRCA1 DNA repair associated; minus strand). Cytogenetic location: 17q21.31.
Variant type: single nucleotide variant.
Coding change: c.134+6T>A on transcript NM_007294.4 (MANE Select); 6 bases into the intron after coding-DNA position 134, T replaced by A.
Molecular consequence: intron variant.
Genome position (GRCh38, 1-based): chr17:43,115,720, A>T on the plus strand (T>A on the coding strand, the complement: BRCA1 is on the minus strand). VCF-style: chr17-43115720-A-T. GRCh37 (hg19) VCF-style: chr17-41267737-A-T.
Other names: c.-8+6T>A (NM_001408458.1, NM_001408470.1, NM_001407848.1 and 47 more transcripts); c.-219+9557T>A (NM_001407967.1); c.-170+9557T>A (NM_001407959.1); c.-7-9187T>A (NM_001407931.1, NM_001407747.1, NM_001408511.1 and 2 more transcripts); c.-170+6T>A (NM_001407962.1, NM_001408512.1, NM_001408510.1 and 1 more transcripts); c.-55+6T>A (NM_001407885.1, NM_001407886.1, NM_001408509.1 and 52 more transcripts); c.-124+6T>A (NM_001407746.1, NM_001408468.1, NM_001407842.1 and 13 more transcripts); c.-8+8297T>A (NM_001408461.1, NM_001407738.1, NM_001407932.1 and 23 more transcripts); and 10 more.
Identifiers: ClinVar variation 867840 (VCV000867840.3), dbSNP rs2055241613, ClinGen allele CA916081001.

Conditions:
Breast-ovarian cancer, familial, susceptibility to, 1 (BROVCA1). Also called: BRCA1 Hereditary Breast and Ovarian Cancer; OVARIAN CANCER, SUSCEPTIBILITY TO. Identifiers: Orphanet 145, MedGen C2676676, MONDO:0011450, OMIM 604370. Disease mechanism: loss of function.

Submission:

Brotman Baty Institute, University of Washington
No classification provided (evidence only). Condition: Breast-ovarian cancer, familial 1. Review status: no classification provided. Collection method: in vitro. Allele origin: not applicable. Functional consequence: functionally_normal.
ClinVar note: "not provided" was previously submitted as the classification for the variant. However, the classification appeared to be based only on an observation of functional data so it was converted to no classification on 2025-07-30.